The following is an entry in ClinVar:

NM_001378454.1(ALMS1):c.11131A>C (p.Ile3711Leu)

Gene: ALMS1 (ALMS1 centrosome and basal body associated protein; plus strand). Cytogenetic location: 2p13.1.
Variant type: single nucleotide variant.
Coding change: c.11131A>C on transcript NM_001378454.1 (MANE Select); coding-DNA position 11131, A replaced by C.
Protein change: p.Ile3711Leu; replaces isoleucine 3711 with leucine.
Molecular consequence: missense variant.
Genome position (GRCh38, 1-based): chr2:73,573,008, A>C. VCF-style: chr2-73573008-A-C. GRCh37 (hg19) VCF-style: chr2-73800135-A-C.
Other names: c.11134A>C, p.Ile3712Leu (NM_015120.4); short protein forms I3711L, I3712L.
Identifiers: ClinVar variation 4801751 (VCV004801751.1).
Genomic context (GRCh38, chr2:73,573,008, plus strand): 5'-GAGCTTAAAAAAAGCAAGGTGCTTTCTCATCATCGAGCTGGGAGGTCTAATCAAATTAAA[A>C]TTGAACAGATTAAATTTGATAAATATATTCTGAGTAAACAGCCAGGTTTTAATTATATAA-3'
Protein context (NP_001365383.1, residues 3701-3721): HRAGRSNQIK[Ile3711Leu]EQIKFDKYIL

ClinVar aggregate classification (germline): Uncertain significance (1 of 4 stars; one submission).

Conditions:
Alstrom syndrome (ALMS). Identifiers: Orphanet 64, MedGen C0268425, MONDO:0008763, OMIM 203800.

gnomAD v4.1: 2 of 1,614,078 alleles (0.00012%); highest among the groups gnomAD compares: Middle Eastern, 0.016%; no homozygotes.

Submission:

Labcorp Genetics (formerly Invitae), Labcorp
Classification: Uncertain significance for Alstrom syndrome. Last evaluated: 2025-08-20. Review status: criteria provided, single submitter. Criteria: Invitae Variant Classification Sherloc (09022015). Collection method: clinical testing. Allele origin: germline.
Comment: This sequence change replaces isoleucine, which is neutral and non-polar, with leucine, which is neutral and non-polar, at codon 3712 of the ALMS1 protein (p.Ile3712Leu). This variant is not present in population databases (gnomAD no frequency). This variant has not been reported in the literature in individuals affected with ALMS1-related conditions. Experimental studies and prediction algorithms are not available or were not evaluated, and the functional significance of this variant is currently unknown. In summary, the available evidence is currently insufficient to determine the role of this variant in disease. Therefore, it has been classified as a Variant of Uncertain Significance.